The following is an entry in ClinVar:

ClinVar aggregate classification (germline): Uncertain significance (1 of 4 stars; one submission).

Conditions:
Inborn genetic diseases. Identifiers: MedGen C0950123, MeSH D030342.

Submission:

Ambry Genetics
Classification: Uncertain significance for Inborn genetic diseases. Last evaluated: 2026-05-24. Review status: criteria provided, single submitter. Criteria: Ambry Variant Classification Scheme 2023. Collection method: clinical testing. Allele origin: germline.
Comment: The p.E413D variant (also known as c.1239A>C), located in coding exon 12 of the DDX41 gene, results from an A to C substitution at nucleotide position 1239. The glutamic acid at codon 413 is replaced by aspartic acid, an amino acid with highly similar properties. This amino acid position is conserved. In addition, the in silico prediction for this alteration is inconclusive. Based on the available evidence, the clinical significance of this variant remains unclear.

NM_016222.4(DDX41):c.1239A>C (p.Glu413Asp)

Gene: DDX41 (DEAD-box helicase 41; minus strand). Cytogenetic location: 5q35.3.
Variant type: single nucleotide variant.
Coding change: c.1239A>C on transcript NM_016222.4 (MANE Select); coding-DNA position 1239, A replaced by C.
Protein change: p.Glu413Asp; replaces glutamic acid 413 with aspartic acid.
Molecular consequence: missense variant.
Genome position (GRCh38, 1-based): chr5:177,513,074, T>G on the plus strand (A>C on the coding strand, the complement: DDX41 is on the minus strand). VCF-style: chr5-177513074-T-G. GRCh37 (hg19) VCF-style: chr5-176940075-T-G.
Other names: c.861A>C, p.Glu287Asp (NM_001321732.2, NM_001321830.2); short protein forms E287D, E413D.
Identifiers: ClinVar variation 4869688 (VCV004869688.1).